The following is an entry in ClinVar:

NM_000059.4(BRCA2):c.6244G>T (p.Glu2082Ter)

Gene: BRCA2 (BRCA2 DNA repair associated; plus strand). Cytogenetic location: 13q13.1.
Variant type: single nucleotide variant.
Coding change: c.6244G>T on transcript NM_000059.4 (MANE Select); coding-DNA position 6244, G replaced by T.
Protein change: p.Glu2082Ter; replaces glutamic acid 2082 with a stop codon.
Molecular consequence: nonsense.
Genome position (GRCh38, 1-based): chr13:32,340,599, G>T. VCF-style: chr13-32340599-G-T. GRCh37 (hg19) VCF-style: chr13-32914736-G-T.
Other names: 6472G>T; short protein forms E2082*.
Identifiers: ClinVar variation 266931 (VCV000266931.22), dbSNP rs886040642, ClinGen allele CA10589361.
Genomic context (GRCh38, chr13:32,340,599, plus strand): 5'-AGTGGAAAGCAAGTTTCCATTTTAGAAAGTTCCTTACACAAAGTTAAGGGAGTGTTAGAG[G>T]AATTTGATTTAATCAGAACTGAGCATAGTCTTCACTATTCACCTACGTCTAGACAAAATG-3'

ClinVar aggregate classification (germline): Pathogenic. Review status: reviewed by expert panel (3 of 4 stars). 6 submissions from 6 submitters: Pathogenic (1). 5 of the submissions do not count toward it. Last evaluated 2016-10-18.

Conditions:
Breast-ovarian cancer, familial, susceptibility to, 2 (BROVCA2). Also called: BRCA2 Hereditary Breast and Ovarian Cancer. Identifiers: Orphanet 145, MedGen C2675520, MONDO:0012933, OMIM 612555. Disease mechanism: loss of function.
Hereditary breast ovarian cancer syndrome. Also called: BRCA1- and BRCA2-Associated Hereditary Breast and Ovarian Cancer; Hereditary breast and ovarian cancer; Breast and ovarian cancer; Hereditary breast and/or ovarian cancer syndrome; Hereditary breast and ovarian cancer syndrome; Hereditary breast and ovarian cancer syndrome (HBOC). Identifiers: Orphanet 145, MedGen C0677776, MeSH D061325, MONDO:0003582. Disease mechanism: loss of function.
Hereditary cancer-predisposing syndrome. Also called: Hereditary neoplastic syndrome; Neoplastic Syndromes, Hereditary; Tumor predisposition; Hereditary Cancer Syndrome. Identifiers: Orphanet 140162, MedGen C0027672, MeSH D009386, MONDO:0015356.

Submissions (6):

Evidence-based Network for the Interpretation of Germline Mutant Alleles (ENIGMA)
Classification: Pathogenic for Breast-ovarian cancer, familial, susceptibility to, 2. Last evaluated: 2016-10-18. Review status: reviewed by expert panel. Criteria: ENIGMA BRCA1/2 Classification Criteria (2015). Collection method: curation. Allele origin: germline.
Comment: Variant allele predicted to encode a truncated non-functional protein.

Ambry Genetics
Classification: Pathogenic for Hereditary cancer-predisposing syndrome. Last evaluated: 2025-06-24. Review status: criteria provided, single submitter. Criteria: Ambry Variant Classification Scheme 2023. Collection method: clinical testing. Allele origin: germline. Not counted in ClinVar's aggregate classification.
Comment: The p.E2082* pathogenic mutation (also known as c.6244G>T), located in coding exon 10 of the BRCA2 gene, results from a G to T substitution at nucleotide position 6244. This changes the amino acid from a glutamic acid to a stop codon within coding exon 10. This alteration was detected in 1/312 males with breast cancer who also had a positive family history of breast and/or ovarian cancer (de Juan I et al. Fam Cancer, 2015 Dec;14:505-13). This alteration was observed in with an allele frequency of 0.00014 in 7,051 unselected female breast cancer patients and was not observed in 11,241 female controls of Japanese ancestry. In addition, it was not observed in unselected male breast cancer patients or in 12490 male controls of Japanese ancestry (Momozawa Y et al. Nat Commun, 2018 10;9:4083). This alteration has also been identified in a large, worldwide study of BRCA1/2 mutation positive families (Rebbeck TR et al. Hum Mutat, 2018 05;39:593-620). This variant is considered to be rare based on population cohorts in the Genome Aggregation Database (gnomAD). In addition to the clinical data presented in the literature, this alteration is expected to result in loss of function by premature protein truncation or nonsense-mediated mRNA decay. As such, this alteration is interpreted as a disease-causing mutation.

GeneDx
Classification: Pathogenic. Last evaluated: 2023-08-08. Review status: criteria provided, single submitter. Criteria: GeneDx Variant Classification Process June 2021. Collection method: clinical testing. Allele origin: germline. Affected: yes. Not counted in ClinVar's aggregate classification.
Comment: Nonsense variant predicted to result in protein truncation or nonsense mediated decay in a gene for which loss of function is a known mechanism of disease; Observed in individuals with a personal or family history consistent with pathogenic variants in this gene (de Juan et al., 2015; Nielsen et al., 2016; Momozawa et al., 2018); Truncating variants in this gene are considered pathogenic by a well-established clinical consortium and/or database; Not observed at significant frequency in large population cohorts (gnomAD); Also known as 6472G>T; This variant is associated with the following publications: (PMID: 26026974, 26833046, 29446198, 36292468, 32377563, 35373174, 30287823)

Labcorp Genetics (formerly Invitae), Labcorp
Classification: Pathogenic for Hereditary breast ovarian cancer syndrome. Last evaluated: 2022-04-29. Review status: criteria provided, single submitter. Criteria: Invitae Variant Classification Sherloc (09022015). Collection method: clinical testing. Allele origin: germline. Not counted in ClinVar's aggregate classification.
Comment: This variant is not present in population databases (gnomAD no frequency). This sequence change creates a premature translational stop signal (p.Glu2082*) in the BRCA2 gene. It is expected to result in an absent or disrupted protein product. Loss-of-function variants in BRCA2 are known to be pathogenic (PMID: 20104584). This premature translational stop signal has been observed in individual(s) with a personal and/or family history of breast and/or ovarian cancer (PMID: 26026974, 29446198, 30287823). For these reasons, this variant has been classified as Pathogenic. ClinVar contains an entry for this variant (Variation ID: 266931).

Quest Diagnostics Nichols Institute San Juan Capistrano
Classification: Pathogenic. Last evaluated: 2020-01-28. Review status: criteria provided, single submitter. Criteria: Quest Diagnostics criteria. Collection method: clinical testing. Allele origin: unknown. Not counted in ClinVar's aggregate classification.
Comment: The variant creates a premature nonsense codon, and is therefore predicted to result in the loss of a functional protein. Found in at least one patient with expected phenotype for this gene, and not found in general population data.

Consortium of Investigators of Modifiers of BRCA1/2 (CIMBA), c/o University of Cambridge
Classification: Pathogenic for Breast-ovarian cancer, familial, susceptibility to, 2. Last evaluated: 2015-10-02. Review status: criteria provided, single submitter. Criteria: CIMBA Mutation Classification guidelines May 2016. Collection method: clinical testing. Allele origin: germline. Not counted in ClinVar's aggregate classification.

Literature cited by the submitters: PubMed 26026974 (cited by 3 submitters); PubMed 29446198 (cited by 3 submitters); PubMed 30287823 (cited by 3 submitters); PubMed 20104584 (cited by Labcorp Genetics (formerly Invitae), Labcorp).